The following is an entry in ClinVar:

ClinVar aggregate classification (germline): Uncertain significance (1 of 4 stars; one submission).

Allele frequency attached by ClinVar (database versions not stated): gnomAD exomes below 0.00001; gnomAD 0.00001; ExAC 0.00002; TOPMed 0.00002.

Submission:

Labcorp Genetics (formerly Invitae), Labcorp
Classification: Uncertain significance. Last evaluated: 2023-12-30. Review status: criteria provided, single submitter. Criteria: Invitae Variant Classification Sherloc (09022015). Collection method: clinical testing. Allele origin: germline.
Comment: This sequence change replaces arginine, which is basic and polar, with cysteine, which is neutral and slightly polar, at codon 372 of the CACNA1E protein (p.Arg372Cys). This variant is present in population databases (rs768773946, gnomAD 0.01%). This variant has not been reported in the literature in individuals affected with CACNA1E-related conditions. ClinVar contains an entry for this variant (Variation ID: 1948900). Advanced modeling of protein sequence and biophysical properties (such as structural, functional, and spatial information, amino acid conservation, physicochemical variation, residue mobility, and thermodynamic stability) has been performed at Invitae for this missense variant, however the output from this modeling did not meet the statistical confidence thresholds required to predict the impact of this variant on CACNA1E protein function. In summary, the available evidence is currently insufficient to determine the role of this variant in disease. Therefore, it has been classified as a Variant of Uncertain Significance.

NM_001205293.3(CACNA1E):c.1114C>T (p.Arg372Cys)

Gene: CACNA1E (calcium voltage-gated channel subunit alpha1 E; plus strand). Cytogenetic location: 1q25.3.
Variant type: single nucleotide variant.
Coding change: c.1114C>T on transcript NM_001205293.3 (MANE Select); coding-DNA position 1114, C replaced by T.
Protein change: p.Arg372Cys; replaces arginine 372 with cysteine.
Molecular consequence: missense variant.
Genome position (GRCh38, 1-based): chr1:181,711,012, C>T. VCF-style: chr1-181711012-C-T. GRCh37 (hg19) VCF-style: chr1-181680148-C-T.
Other names: c.1114C>T, p.Arg372Cys (NM_000721.4, NM_001205294.2); short protein forms R372C.
Identifiers: ClinVar variation 1948900 (VCV001948900.5), dbSNP rs768773946, ClinGen allele CA1275039.
Genomic context (GRCh38, chr1:181,711,012, plus strand): 5'-AGGGAATTTGCCAAAGAGAGAGAGAGAGTGGAGAACCGAAGGGCTTTCATGAAGCTGCGG[C>T]GCCAGCAGCAGATTGAGCGTGAGCTGAATGGCTACCGTGCCTGGATAGACAAAGCAGGTA-3'
Protein context (NP_001192222.1, residues 362-382): ENRRAFMKLR[Arg372Cys]QQQIERELNG